The following is an entry in ClinVar:

ClinVar aggregate classification (germline): Uncertain significance (1 of 4 stars; one submission).

Submission:

Labcorp Genetics (formerly Invitae), Labcorp
Classification: Uncertain significance. Last evaluated: 2025-01-22. Review status: criteria provided, single submitter. Criteria: Invitae Variant Classification Sherloc (09022015). Collection method: clinical testing. Allele origin: germline.
Comment: This sequence change replaces asparagine, which is neutral and polar, with serine, which is neutral and polar, at codon 433 of the NOTCH3 protein (p.Asn433Ser). This variant is not present in population databases (gnomAD no frequency). This variant has not been reported in the literature in individuals affected with NOTCH3-related conditions. Invitae Evidence Modeling of protein sequence and biophysical properties (such as structural, functional, and spatial information, amino acid conservation, physicochemical variation, residue mobility, and thermodynamic stability) indicates that this missense variant is not expected to disrupt NOTCH3 protein function with a negative predictive value of 95%. In summary, the available evidence is currently insufficient to determine the role of this variant in disease. Therefore, it has been classified as a Variant of Uncertain Significance.

NM_000435.3(NOTCH3):c.1298A>G (p.Asn433Ser)

Gene: NOTCH3 (notch receptor 3; minus strand). Cytogenetic location: 19p13.12.
Variant type: single nucleotide variant.
Coding change: c.1298A>G on transcript NM_000435.3 (MANE Select); coding-DNA position 1298, A replaced by G.
Protein change: p.Asn433Ser; replaces asparagine 433 with serine.
Molecular consequence: missense variant.
Genome position (GRCh38, 1-based): chr19:15,189,069, T>C on the plus strand (A>G on the coding strand, the complement: NOTCH3 is on the minus strand). VCF-style: chr19-15189069-T-C. GRCh37 (hg19) VCF-style: chr19-15299880-T-C.
Other names: short protein forms N433S.
Identifiers: ClinVar variation 3688995 (VCV003688995.2).
Genomic context (GRCh38, chr19:15,189,069, plus strand): 5'-AACTGGCCTATGCGGTCGAGGCACGTGGCCTGGTTTCGGCAGGGCCCCGACAGACACTCG[T>C]TGACATCGGTCTCACAGCGAGGTCCAGTGTAGCCACGACCGCACTGGCACAGGAAGGAGC-3'
Protein context (NP_000426.2, residues 423-443): YTGPRCETDV[Asn433Ser]ECLSGPCRNQ